The following is an entry in ClinVar:

NM_002693.3(POLG):c.2158-17G>T

Gene: POLG (DNA polymerase gamma, catalytic subunit; minus strand). Cytogenetic location: 15q26.1.
Variant type: single nucleotide variant.
Coding change: c.2158-17G>T on transcript NM_002693.3 (MANE Select); 17 bases into the intron before coding-DNA position 2158, G replaced by T.
Molecular consequence: intron variant.
Genome position (GRCh38, 1-based): chr15:89,323,528, C>A on the plus strand (G>T on the coding strand, the complement: POLG is on the minus strand). VCF-style: chr15-89323528-C-A. GRCh37 (hg19) VCF-style: chr15-89866759-C-A.
Other names: c.2158-17G>T (NM_001126131.2).
Identifiers: ClinVar variation 619465 (VCV000619465.4), dbSNP rs1567188293, ClinGen allele CA10602315.

ClinVar aggregate classification (germline): Likely benign. Review status: criteria provided, multiple submitters, no conflicts (2 of 4 stars). 2 submissions from 2 submitters: Likely benign (2). Last evaluated 2023-02-22.

Conditions:
Progressive sclerosing poliodystrophy (MTDPS4A). Also called: Alpers-Huttenlocher Syndrome (AHS); Alpers Syndrome; ALPERS PROGRESSIVE INFANTILE POLIODYSTROPHY; Mitochondrial DNA depletion syndrome 4A (Alpers type); ALPERS DIFFUSE DEGENERATION OF CEREBRAL GRAY MATTER WITH HEPATIC CIRRHOSIS; Alpers-Huttenlocher Syndrome. Identifiers: Orphanet 726, MedGen C0205710, MONDO:0008758, OMIM 203700.

Submissions (2):

Labcorp Genetics (formerly Invitae), Labcorp
Classification: Likely benign for Progressive sclerosing poliodystrophy. Last evaluated: 2023-02-22. Review status: criteria provided, single submitter. Criteria: Invitae Variant Classification Sherloc (09022015). Collection method: clinical testing. Allele origin: germline.

Wong Mito Lab, Molecular and Human Genetics, Baylor College of Medicine
Classification: Likely benign for Progressive sclerosing poliodystrophy. Last evaluated: 2018-10-01. Review status: criteria provided, single submitter. Criteria: ACMG Guidelines, 2015. Collection method: clinical testing. Allele origin: germline.
Comment: The NM_002693.2:c.2158-17G>T (NP_002684.1:p.=) [GRCH38: NC_000015.10:g.89323528C>A] variant in POLG gene is interpretated to be a Likely Benign based on ACMG guidelines (PMID: 25741868). This variant meets the following evidence codes reported in the ACMG-guideline. BP4:Computational evidence/predictors indicate no impact on the POLG structure, function, or protein-protein interaction. BP6:Reputable source(s) without shared data suggest the variant is benign. Based on the evidence criteria codes applied, the variant is suggested to be Likely Benign.